The following is an entry in ClinVar:

ClinVar aggregate classification (germline): Pathogenic (1 of 4 stars; one submission).

gnomAD v4.1: 1 of 1,607,090 alleles (0.000062%); highest among the groups gnomAD compares: Non-Finnish European, 0.000085%; no homozygotes.

Submission:

Labcorp Genetics (formerly Invitae), Labcorp
Classification: Pathogenic. Last evaluated: 2024-09-29. Review status: criteria provided, single submitter. Criteria: Invitae Variant Classification Sherloc (09022015). Collection method: clinical testing. Allele origin: germline.
Comment: This sequence change creates a premature translational stop signal (p.Gln894*) in the PCLO gene. It is expected to result in an absent or disrupted protein product. Loss-of-function variants in PCLO are known to be pathogenic (PMID: 25832664, 30287594). This variant is not present in population databases (gnomAD no frequency). This variant has not been reported in the literature in individuals affected with PCLO-related conditions. For these reasons, this variant has been classified as Pathogenic.

Literature cited by the submitters: PubMed 25832664; PubMed 30287594.

NM_033026.6(PCLO):c.2680C>T (p.Gln894Ter)

Gene: PCLO (piccolo presynaptic cytomatrix protein; minus strand). Cytogenetic location: 7q21.11.
Variant type: single nucleotide variant.
Coding change: c.2680C>T on transcript NM_033026.6 (MANE Select); coding-DNA position 2680, C replaced by T.
Protein change: p.Gln894Ter; replaces glutamine 894 with a stop codon.
Molecular consequence: nonsense.
Genome position (GRCh38, 1-based): chr7:83,134,870, G>A on the plus strand (C>T on the coding strand, the complement: PCLO is on the minus strand). VCF-style: chr7-83134870-G-A. GRCh37 (hg19) VCF-style: chr7-82764186-G-A.
Other names: c.2680C>T, p.Gln894Ter (NM_014510.3); short protein forms Q894*.
Identifiers: ClinVar variation 3721751 (VCV003721751.2).